The following is an entry in ClinVar:

ClinVar aggregate classification (germline): Likely benign (1 of 4 stars; one submission).

gnomAD v4.1: 5 of 1,613,098 alleles (0.00031%); highest among the groups gnomAD compares: Non-Finnish European, 0.00042%; no homozygotes.

Submission:

Molecular Diagnostic Laboratory for Inherited Cardiovascular Disease, Montreal Heart Institute
Classification: Likely benign. Last evaluated: 2026-03-27. Review status: criteria provided, single submitter. Criteria: ACMG Guidelines, 2015. Collection method: clinical testing. Allele origin: germline. Affected: no.
Comment: BP1

NM_001267550.2(TTN):c.11311+3253A>G

Gene: TTN (titin; minus strand). Cytogenetic location: 2q31.2.
Variant type: single nucleotide variant.
Coding change: c.11311+3253A>G on transcript NM_001267550.2 (MANE Select); 3253 bases into the intron after coding-DNA position 11311, A replaced by G.
Molecular consequence: intron variant. On other transcripts: missense variant (1).
Genome position (GRCh38, 1-based): chr2:178,749,871, T>C on the plus strand (A>G on the coding strand, the complement: TTN is on the minus strand). VCF-style: chr2-178749871-T-C. GRCh37 (hg19) VCF-style: chr2-179614598-T-C.
Other names: c.12529A>G, p.Ile4177Val (NM_133379.5); c.10222+3253A>G (NM_003319.4); c.10798+3253A>G (NM_133437.4); c.10597+3253A>G (NM_133432.3); c.10360+3253A>G (NM_133378.4, NM_001256850.1); short protein forms I4177V.
Identifiers: ClinVar variation 4820501 (VCV004820501.1), dbSNP rs1203263402.